The following is an entry in ClinVar:

NM_153033.5(KCTD7):c.273C>T (p.Ser91=)

Gene: KCTD7 (potassium channel tetramerization domain containing 7; plus strand). Cytogenetic location: 7q11.21.
Variant type: single nucleotide variant.
Coding change: c.273C>T on transcript NM_153033.5 (MANE Select); coding-DNA position 273, C replaced by T.
Protein change: p.Ser91=; no amino-acid change (serine 91 retained).
Molecular consequence: synonymous variant.
Genome position (GRCh38, 1-based): chr7:66,633,403, C>T. VCF-style: chr7-66633403-C-T. GRCh37 (hg19) VCF-style: chr7-66098390-C-T.
Other names: p.S91S:TCC>TCT; c.273C>T, p.Ser91= (NM_001167961.2).
Identifiers: ClinVar variation 206008 (VCV000206008.52), dbSNP rs139585796, ClinGen allele CA315679.
Genomic context (GRCh38, chr7:66,633,403, plus strand): 5'-CTACGAAGACACCATGTTGGCAGCCATGTTCAGTGGGCGGCACTACATCCCCACGGACTC[C>T]GAGGGCCGGTACTTCATCGACCGAGATGGCACACACTTTGGGTATGTCTCTCCCTCTACA-3'
Protein context (NP_694578.1, residues 81-101): FSGRHYIPTD[Ser91=]EGRYFIDRDG

ClinVar aggregate classification (germline): Conflicting classifications of pathogenicity. Review status: criteria provided, conflicting classifications (1 of 4 stars). 9 submissions from 9 submitters: Uncertain significance (3); Benign (1); Likely benign (5). Last evaluated 2026-01-28.

Conditions:
KCTD7-related disorder. Also called: KCTD7-related condition.
Inborn genetic diseases. Identifiers: MedGen C0950123, MeSH D030342.
Progressive myoclonic epilepsy type 3. Also called: KCTD7-Related Progressive Myoclonic Epilepsy; EPILEPSY, PROGRESSIVE MYOCLONIC, 3, WITH OR WITHOUT INTRACELLULAR INCLUSIONS; CEROID LIPOFUSCINOSIS, NEURONAL, 14; EPILEPSY, PROGRESSIVE MYOCLONIC, 3, WITHOUT INTRACELLULAR INCLUSIONS. Identifiers: Orphanet 263516, MedGen C2673257, MONDO:0012721, OMIM 611726.

Allele frequency attached by ClinVar (database versions not stated): gnomAD 0.00034 and 0.00032; ESP Exome Variant Server 0.00038; gnomAD exomes 0.00038 and 0.00032; 1000 Genomes Project 0.00040; ExAC 0.00040; TOPMed 0.00040; 1000 Genomes Project 30x 0.00047.
gnomAD v4.1: 609 of 1,614,010 alleles (0.038%); highest among the groups gnomAD compares: Middle Eastern, 0.099%; no homozygotes.

Submissions (9):

Labcorp Genetics (formerly Invitae), Labcorp
Classification: Likely benign for Progressive myoclonic epilepsy type 3. Last evaluated: 2026-01-28. Review status: criteria provided, single submitter. Criteria: Invitae Variant Classification Sherloc (09022015). Collection method: clinical testing. Allele origin: germline.

PreventionGenetics, part of Exact Sciences
Classification: Likely benign for KCTD7-related condition. Last evaluated: 2025-09-11. Review status: criteria provided, single submitter. Criteria: ACMG Guidelines, 2015. Collection method: clinical testing. Allele origin: germline.
Comment: This variant is classified as likely benign based on ACMG/AMP sequence variant interpretation guidelines (Richards et al. 2015 PMID: 25741868, with internal and published modifications).

Blueprint Genetics
Classification: Likely benign. Last evaluated: 2024-11-21. Review status: criteria provided, single submitter. Criteria: ACMG Guidelines, 2015. Collection method: clinical testing. Allele origin: germline.

CeGaT Center for Human Genetics Tuebingen
Classification: Likely benign. Last evaluated: 2023-10-01. Review status: criteria provided, single submitter. Criteria: CeGaT Center For Human Genetics Tuebingen Variant Classification Criteria Version 2. Collection method: clinical testing. Allele origin: germline. Affected: yes. Observed: 2 variant alleles.
Comment: KCTD7: BP4, BP7

Eurofins Ntd Llc (ga)
Classification: Uncertain significance. Last evaluated: 2018-05-25. Review status: criteria provided, single submitter. Criteria: EGL ClinVar v180209 classification definitions. Collection method: clinical testing. Allele origin: germline. Observed: 1 variant allele, 1 heterozygote.

Illumina Laboratory Services, Illumina
Classification: Uncertain significance for Progressive myoclonic epilepsy type 3. Last evaluated: 2018-01-12. Review status: criteria provided, single submitter. Criteria: ICSL Variant Classification Criteria 13 December 2019. Collection method: clinical testing. Allele origin: germline.

Ambry Genetics
Classification: Likely benign for Inborn genetic diseases. Last evaluated: 2016-09-14. Review status: criteria provided, single submitter. Criteria: Ambry Variant Classification Scheme 2023. Collection method: clinical testing. Allele origin: germline.

Genetic Services Laboratory, University of Chicago
Classification: Uncertain significance. Last evaluated: 2014-12-16. Review status: criteria provided, single submitter. Criteria: ACMG Guidelines, 2015. Collection method: clinical testing. Allele origin: germline.

GeneDx
Classification: Benign. Last evaluated: 2014-07-08. Review status: criteria provided, single submitter. Criteria: GeneDx Variant Classification (06012015). Collection method: clinical testing. Allele origin: germline. Affected: yes.
Comment: This variant is considered likely benign or benign based on one or more of the following criteria: it is a conservative change, it occurs at a poorly conserved position in the protein, it is predicted to be benign by multiple in silico algorithms, and/or has population frequency not consistent with disease.